The following is an entry in ClinVar:

NM_032444.4(SLX4):c.2720A>G (p.Glu907Gly)

Gene: SLX4 (SLX4 structure-specific endonuclease subunit; minus strand). Cytogenetic location: 16p13.3.
Variant type: single nucleotide variant.
Coding change: c.2720A>G on transcript NM_032444.4 (MANE Select); coding-DNA position 2720, A replaced by G.
Protein change: p.Glu907Gly; replaces glutamic acid 907 with glycine.
Molecular consequence: missense variant.
Genome position (GRCh38, 1-based): chr16:3,590,918, T>C on the plus strand (A>G on the coding strand, the complement: SLX4 is on the minus strand). VCF-style: chr16-3590918-T-C. GRCh37 (hg19) VCF-style: chr16-3640919-T-C.
Other names: short protein forms E907G.
Identifiers: ClinVar variation 2417894 (VCV002417894.6), dbSNP rs1216005913, ClinGen allele CA7866093.

ClinVar aggregate classification (germline): Uncertain significance (1 of 4 stars; one submission).

Conditions:
Fanconi anemia (FA). Also called: Fanconi's anemia. Identifiers: Orphanet 84, MedGen C0015625, MeSH D005199, MONDO:0019391.

Allele frequency attached by ClinVar (database versions not stated): TOPMed below 0.00001; ExAC 0.00001.

Submission:

Labcorp Genetics (formerly Invitae), Labcorp
Classification: Uncertain significance for Fanconi anemia. Last evaluated: 2024-07-28. Review status: criteria provided, single submitter. Criteria: Invitae Variant Classification Sherloc (09022015). Collection method: clinical testing. Allele origin: germline.
Comment: This sequence change replaces glutamic acid, which is acidic and polar, with glycine, which is neutral and non-polar, at codon 907 of the SLX4 protein (p.Glu907Gly). This variant is present in population databases (no rsID available, gnomAD 0.006%). This variant has not been reported in the literature in individuals affected with SLX4-related conditions. ClinVar contains an entry for this variant (Variation ID: 2417894). An algorithm developed to predict the effect of missense changes on protein structure and function outputs the following: PolyPhen-2: "Possibly Damaging". The glycine amino acid residue is found in multiple mammalian species, which suggests that this missense change does not adversely affect protein function. In summary, the available evidence is currently insufficient to determine the role of this variant in disease. Therefore, it has been classified as a Variant of Uncertain Significance.